The following is an entry in ClinVar:

NM_000094.4(COL7A1):c.8441-1G>A

Gene: COL7A1 (collagen type VII alpha 1 chain; minus strand). Cytogenetic location: 3p21.31.
Variant type: single nucleotide variant.
Coding change: c.8441-1G>A on transcript NM_000094.4 (MANE Select); the canonical splice acceptor site of the intron before coding-DNA position 8441, G replaced by A.
Molecular consequence: splice acceptor variant.
Genome position (GRCh38, 1-based): chr3:48,565,497, C>T on the plus strand (G>A on the coding strand, the complement: COL7A1 is on the minus strand). VCF-style: chr3-48565497-C-T. GRCh37 (hg19) VCF-style: chr3-48602930-C-T.
Identifiers: ClinVar variation 2850058 (VCV002850058.3), dbSNP rs113223137, ClinGen allele CA352635365.

ClinVar aggregate classification (germline): Likely pathogenic (1 of 4 stars; one submission).

Submission:

Labcorp Genetics (formerly Invitae), Labcorp
Classification: Likely pathogenic. Last evaluated: 2023-04-06. Review status: criteria provided, single submitter. Criteria: Invitae Variant Classification Sherloc (09022015). Collection method: clinical testing. Allele origin: germline.
Comment: This sequence change affects an acceptor splice site in intron 114 of the COL7A1 gene. It is expected to disrupt RNA splicing. Variants that disrupt the donor or acceptor splice site typically lead to a loss of protein function (PMID: 16199547), and loss-of-function variants in COL7A1 are known to be pathogenic (PMID: 16971478). This variant is not present in population databases (gnomAD no frequency). This variant has not been reported in the literature in individuals affected with COL7A1-related conditions. Algorithms developed to predict the effect of sequence changes on RNA splicing suggest that this variant may disrupt the consensus splice site. In summary, the currently available evidence indicates that the variant is pathogenic, but additional data are needed to prove that conclusively. Therefore, this variant has been classified as Likely Pathogenic.

Literature cited by the submitters: PubMed 16199547; PubMed 16971478.